The following is an entry in ClinVar:

NM_012338.4(TSPAN12):c.870A>G (p.Thr290=)

Gene: TSPAN12 (tetraspanin 12; minus strand). Cytogenetic location: 7q31.31.
Variant type: single nucleotide variant.
Coding change: c.870A>G on transcript NM_012338.4 (MANE Select); coding-DNA position 870, A replaced by G.
Protein change: p.Thr290=; no amino-acid change (threonine 290 retained).
Molecular consequence: synonymous variant.
Genome position (GRCh38, 1-based): chr7:120,788,640, T>C on the plus strand (A>G on the coding strand, the complement: TSPAN12 is on the minus strand). VCF-style: chr7-120788640-T-C. GRCh37 (hg19) VCF-style: chr7-120428694-T-C.
Other names: c.870A>G (NM_012338.3).
Identifiers: ClinVar variation 1565951 (VCV001565951.10), dbSNP rs560056499, ClinGen allele CA165834839.
Genomic context (GRCh38, chr7:120,788,640, plus strand): 5'-TGACATTTCTTTTTATAACTCCTCCATCTCAAAGTGTGTATTAAAGCTGTTTGCCATGGA[T>C]GTGTGTTCAAAGATTCTTGACAGGCTTGGTTTCAACAGTTCTACTGAGGGACATGACAGG-3'
Protein context (NP_036470.1, residues 280-300): KPSLSRIFEH[Thr290=]SMANSFNTHF

ClinVar aggregate classification (germline): Likely benign. Review status: criteria provided, multiple submitters, no conflicts (2 of 4 stars). 3 submissions from 3 submitters: Likely benign (3). Last evaluated 2025-10-30.

Conditions:
TSPAN12-related disorder. Also called: TSPAN12-related condition.

Allele frequency attached by ClinVar (database versions not stated): gnomAD 0.00001.
gnomAD v4.1: 6 of 1,614,172 alleles (0.00037%); highest among the groups gnomAD compares: African/African-American, 0.008%; no homozygotes.

Submissions (3):

Labcorp Genetics (formerly Invitae), Labcorp
Classification: Likely benign. Last evaluated: 2025-10-30. Review status: criteria provided, single submitter. Criteria: Invitae Variant Classification Sherloc (09022015). Collection method: clinical testing. Allele origin: germline.

PreventionGenetics, part of Exact Sciences
Classification: Likely benign for TSPAN12-related condition. Last evaluated: 2025-02-13. Review status: criteria provided, single submitter. Criteria: ACMG Guidelines, 2015. Collection method: clinical testing. Allele origin: germline.
Comment: This variant is classified as likely benign based on ACMG/AMP sequence variant interpretation guidelines (Richards et al. 2015 PMID: 25741868, with internal and published modifications).

Blueprint Genetics
Classification: Likely benign. Last evaluated: 2022-11-30. Review status: criteria provided, single submitter. Criteria: ACMG Guidelines, 2015. Collection method: clinical testing. Allele origin: germline.